The following is an entry in ClinVar:

ClinVar aggregate classification (germline): Benign (1 of 4 stars; one submission).

Conditions:
SLC6A8-related disorder. Also called: SLC6A8-related condition.

Submission:

PreventionGenetics, part of Exact Sciences
Classification: Benign for SLC6A8-related condition. Last evaluated: 2024-10-28. Review status: criteria provided, single submitter. Criteria: ACMG Guidelines, 2015. Collection method: clinical testing. Allele origin: germline.
Comment: This variant is classified as benign based on ACMG/AMP sequence variant interpretation guidelines (Richards et al. 2015 PMID: 25741868, with internal and published modifications).

NM_005629.4(SLC6A8):c.1016+34CCTGC[3]

Gene: SLC6A8 (solute carrier family 6 member 8; plus strand). Cytogenetic location: Xq28.
Variant type: Microsatellite.
Coding change: c.1016+34CCTGC[3] on transcript NM_005629.4 (MANE Select); three copies in a row of the 5-base unit CCTGC starting at c.1016+34.
Molecular consequence: intron variant.
Genome position: GRCh38 VCF-style: chrX-153693399-T-TCCTGC. GRCh37 (hg19) VCF-style: chrX-152958854-T-TCCTGC.
Other names: c.1016+34CCTGC[3] (NM_001142805.2); c.671+34CCTGC[3] (NM_001142806.1).
Identifiers: ClinVar variation 4980722 (VCV004980722.1).
Genomic context (GRCh38, chrX:153,693,399, plus strand): 5'-ACAACCGCTTCAACAACAACTGCTACAAGTAAGCACCGCCGCCCTGCCACCCGTGCCCTG[T>TCCTGC]CCTGCCCTGCCCCGCCCTGCCCAGCAGCCTAACCCATCCACTCTGGCCCCTCCACCCCTC-3'